The following is an entry in ClinVar:

NM_005765.3(ATP6AP2):c.463C>G (p.Arg155Gly)

Gene: ATP6AP2 (ATPase H+ transporting accessory protein 2; plus strand). Cytogenetic location: Xp11.4.
Variant type: single nucleotide variant.
Coding change: c.463C>G on transcript NM_005765.3 (MANE Select); coding-DNA position 463, C replaced by G.
Protein change: p.Arg155Gly; replaces arginine 155 with glycine.
Molecular consequence: missense variant.
Genome position (GRCh38, 1-based): chrX:40,597,593, C>G. VCF-style: chrX-40597593-C-G. GRCh37 (hg19) VCF-style: chrX-40456845-C-G.
Other names: short protein forms R155G.
Identifiers: ClinVar variation 2660319 (VCV002660319.24), dbSNP rs146371390, ClinGen allele CA412755715.
Genomic context (GRCh38, chrX:40,597,593, plus strand): 5'-TATATGGTAGGGAAGGCAAACTCAGTGTTTGAAGACCTTTCAGTCACCTTGCGCCAGCTC[C>G]GTAATCGCCTGTTTCAAGAAAACTCTGTTCTCAGTTCACTCCCCCTCAATTCTCTGAGTA-3'
Protein context (NP_005756.2, residues 145-165): EDLSVTLRQL[Arg155Gly]NRLFQENSVL

ClinVar aggregate classification (germline): Uncertain significance (1 of 4 stars; one submission).

Submission:

CeGaT Center for Human Genetics Tuebingen
Classification: Uncertain significance. Last evaluated: 2023-04-01. Review status: criteria provided, single submitter. Criteria: CeGaT Center For Human Genetics Tuebingen Variant Classification Criteria Version 2. Collection method: clinical testing. Allele origin: germline. Affected: yes. Observed: 1 variant allele.
Comment: ATP6AP2: PM2, BP4